The following is an entry in ClinVar:

ClinVar aggregate classification (germline): Pathogenic (1 of 4 stars; one submission).

Conditions:
Primary ciliary dyskinesia. Also called: Ciliary dyskinesia. Identifiers: Orphanet 244, MedGen C0008780, MONDO:0016575, HP:0012265.

Submission:

Labcorp Genetics (formerly Invitae), Labcorp
Classification: Pathogenic for Primary ciliary dyskinesia. Last evaluated: 2023-06-01. Review status: criteria provided, single submitter. Criteria: Invitae Variant Classification Sherloc (09022015). Collection method: clinical testing. Allele origin: unknown.
Comment: For these reasons, this variant has been classified as Pathogenic. This variant disrupts a region of the DNAH5 protein in which other variant(s) (p.Gly4205Val) have been determined to be pathogenic (PMID: 16627867; Invitae). This suggests that this is a clinically significant region of the protein, and that variants that disrupt it are likely to be disease-causing. This variant has not been reported in the literature in individuals affected with DNAH5-related conditions. This variant is a gross deletion of the genomic region encompassing exon(s) 2-79 of the DNAH5 gene, which includes the termination codon. This deletion extends beyond the assayed region for this gene and therefore may encompass additional genes. While this deletion is not anticipated to lead to nonsense mediated decay, it is expected to alter mRNA translation or result in a truncated protein product.

Literature cited by the submitters: PubMed 16627867.

NC_000005.9:g.(?_13692093)_(13931373_?)del

Gene: DNAH5 (dynein axonemal heavy chain 5; minus strand). Cytogenetic location: 5p15.2.
Variant type: Deletion.
Identifiers: ClinVar variation 3246256 (VCV003246256.1).